The following is an entry in ClinVar:

NM_032977.4(CASP10):c.1283A>G (p.Asp428Gly)

Gene: CASP10 (caspase 10; plus strand). Cytogenetic location: 2q33.1.
Variant type: single nucleotide variant.
Coding change: c.1283A>G on transcript NM_032977.4 (MANE Select); coding-DNA position 1283, A replaced by G.
Protein change: p.Asp428Gly; replaces aspartic acid 428 with glycine.
Molecular consequence: missense variant. On other transcripts: 3 prime UTR variant (1).
Genome position (GRCh38, 1-based): chr2:201,209,430, A>G. VCF-style: chr2-201209430-A-G. GRCh37 (hg19) VCF-style: chr2-202074153-A-G.
Other names: c.1082A>G, p.Asp361Gly (NM_001206524.2); c.1154A>G, p.Asp385Gly (NM_001206542.2, NM_001230.5); c.1283A>G, p.Asp428Gly (NM_032974.5); c.*369A>G (NM_032976.4); short protein forms D385G, D428G, D361G.
Identifiers: ClinVar variation 1405397 (VCV001405397.6), dbSNP rs775030613, ClinGen allele CA2053213.
Genomic context (GRCh38, chr2:201,209,430, plus strand): 5'-CTTCCGTATCCATCGAAGCAGATGCTCTGAACCCTGAGCAGGCACCCACTTCCCTGCAGG[A>G]CAGTATTCCTGCCGAGGCTGACTTCCTACTTGGTCTGGCCACTGTCCCAGGCTATGTATC-3'
Protein context (NP_116759.2, residues 418-438): NPEQAPTSLQ[Asp428Gly]SIPAEADFLL

ClinVar aggregate classification (germline): Uncertain significance (1 of 4 stars; one submission).

Conditions:
Autoimmune lymphoproliferative syndrome type 2A (ALPS2A). Also called: CASP10-Related Autoimmune Lymphoproliferative Syndrome; AUTOIMMUNE LYMPHOPROLIFERATIVE SYNDROME, TYPE IIA; Autoimmune lymphoproliferative syndrome type 2. Identifiers: Orphanet 3261, MedGen C1858968, MONDO:0011383, OMIM 603909.

Allele frequency attached by ClinVar (database versions not stated): gnomAD exomes below 0.00001 and 0.00002; gnomAD 0.00001; TOPMed 0.00001; ExAC 0.00002.
gnomAD v4.1: 7 of 1,614,082 alleles (0.00043%); highest among the groups gnomAD compares: East Asian, 0.016%; no homozygotes.

Submission:

Labcorp Genetics (formerly Invitae), Labcorp
Classification: Uncertain significance for Autoimmune lymphoproliferative syndrome type 2A. Last evaluated: 2021-08-09. Review status: criteria provided, single submitter. Criteria: Invitae Variant Classification Sherloc (09022015). Collection method: clinical testing. Allele origin: germline.
Comment: This sequence change replaces aspartic acid with glycine at codon 428 of the CASP10 protein (p.Asp428Gly). The aspartic acid residue is moderately conserved and there is a moderate physicochemical difference between aspartic acid and glycine. In summary, the available evidence is currently insufficient to determine the role of this variant in disease. Therefore, it has been classified as a Variant of Uncertain Significance. Algorithms developed to predict the effect of missense changes on protein structure and function output the following: SIFT: "Tolerated"; PolyPhen-2: "Benign"; Align-GVGD: "Class C0". The glycine amino acid residue is found in multiple mammalian species, which suggests that this missense change does not adversely affect protein function. This variant has not been reported in the literature in individuals affected with CASP10-related conditions. This variant is present in population databases (rs775030613, ExAC 0.02%).